The following is an entry in ClinVar:

NM_000548.5(TSC2):c.4566T>A (p.Asn1522Lys)

Gene: TSC2 (TSC complex subunit 2; plus strand). Cytogenetic location: 16p13.3.
Variant type: single nucleotide variant.
Coding change: c.4566T>A on transcript NM_000548.5 (MANE Select); coding-DNA position 4566, T replaced by A.
Protein change: p.Asn1522Lys; replaces asparagine 1522 with lysine.
Molecular consequence: missense variant. On other transcripts: non-coding transcript variant (5).
Genome position (GRCh38, 1-based): chr16:2,085,023, T>A. VCF-style: chr16-2085023-T-A. GRCh37 (hg19) VCF-style: chr16-2135024-T-A.
Other names: c.4365T>A, p.Asn1455Lys (NM_001077183.3); c.4497T>A, p.Asn1499Lys (NM_001114382.3); c.4257T>A, p.Asn1419Lys (NM_001318827.2); c.4221T>A, p.Asn1407Lys (NM_001318829.2); c.3834T>A, p.Asn1278Lys (NM_001318831.2); c.4398T>A, p.Asn1466Lys (NM_001318832.2); c.4368T>A, p.Asn1456Lys (NM_001363528.2); c.4434T>A, p.Asn1478Lys (NM_001370404.1); and 26 more; short protein forms N1007K, N1256K, N1302K, N1322K, N1407K, N1486K, N1521K, N1522K.
Identifiers: ClinVar variation 2564702 (VCV002564702.2), dbSNP rs2544308739, ClinGen allele CA394303081.

ClinVar aggregate classification (germline): Uncertain significance (1 of 4 stars; one submission).

Conditions:
Hereditary cancer-predisposing syndrome. Also called: Neoplastic Syndromes, Hereditary; Hereditary Cancer Syndrome; Hereditary neoplastic syndrome; Tumor predisposition. Identifiers: Orphanet 140162, MedGen C0027672, MeSH D009386, MONDO:0015356.

Submission:

Ambry Genetics
Classification: Uncertain significance for Hereditary cancer-predisposing syndrome. Last evaluated: 2023-04-18. Review status: criteria provided, single submitter. Criteria: Ambry Variant Classification Scheme 2023. Collection method: clinical testing. Allele origin: germline.
Comment: The p.N1522K variant (also known as c.4566T>A), located in coding exon 34 of the TSC2 gene, results from a T to A substitution at nucleotide position 4566. The asparagine at codon 1522 is replaced by lysine, an amino acid with similar properties. This amino acid position is conserved. In addition, the in silico prediction for this alteration is inconclusive. Since supporting evidence is limited at this time, the clinical significance of this alteration remains unclear.